The following is an entry in ClinVar:

ClinVar aggregate classification (germline): Uncertain significance (1 of 4 stars; one submission).

Conditions:
Charcot-Marie-Tooth disease type 2. Also called: Charcot-Marie-Tooth type 2. Identifiers: Orphanet 64746, MedGen C0270914, MONDO:0018993.

Submission:

Labcorp Genetics (formerly Invitae), Labcorp
Classification: Uncertain significance for Charcot-Marie-Tooth disease type 2. Last evaluated: 2019-04-25. Review status: criteria provided, single submitter. Criteria: Invitae Variant Classification Sherloc (09022015). Collection method: clinical testing. Allele origin: germline.
Comment: In summary, the available evidence is currently insufficient to determine the role of this variant in disease. Therefore, it has been classified as a Variant of Uncertain Significance. Algorithms developed to predict the effect of missense changes on protein structure and function are either unavailable or do not agree on the potential impact of this missense change (SIFT: "Deleterious"; PolyPhen-2: "Possibly Damaging"; Align-GVGD: "Class C0"). This variant has not been reported in the literature in individuals with MED25-related conditions. This variant is not present in population databases (ExAC no frequency). This sequence change replaces phenylalanine with cysteine at codon 320 of the MED25 protein (p.Phe320Cys). The phenylalanine residue is highly conserved and there is a large physicochemical difference between phenylalanine and cysteine.

NM_030973.4(MED25):c.959T>G (p.Phe320Cys)

Gene: MED25 (mediator complex subunit 25; plus strand). Cytogenetic location: 19q13.33.
Variant type: single nucleotide variant.
Coding change: c.959T>G on transcript NM_030973.4 (MANE Select); coding-DNA position 959, T replaced by G.
Protein change: p.Phe320Cys; replaces phenylalanine 320 with cysteine.
Molecular consequence: missense variant.
Genome position (GRCh38, 1-based): chr19:49,830,745, T>G. VCF-style: chr19-49830745-T-G. GRCh37 (hg19) VCF-style: chr19-50334002-T-G.
Other names: c.959T>G, p.Phe320Cys (NM_001378355.1); short protein forms F320C.
Identifiers: ClinVar variation 944188 (VCV000944188.9), dbSNP rs2074049850, ClinGen allele CA406914981.